The following is an entry in ClinVar:

NM_001040108.2(MLH3):c.4219G>T (p.Asp1407Tyr)

Gene: MLH3 (mutL homolog 3; minus strand). Cytogenetic location: 14q24.3.
Variant type: single nucleotide variant.
Coding change: c.4219G>T on transcript NM_001040108.2 (MANE Select); coding-DNA position 4219, G replaced by T.
Protein change: p.Asp1407Tyr; replaces aspartic acid 1407 with tyrosine.
Molecular consequence: missense variant.
Genome position (GRCh38, 1-based): chr14:75,018,852, C>A on the plus strand (G>T on the coding strand, the complement: MLH3 is on the minus strand). VCF-style: chr14-75018852-C-A. GRCh37 (hg19) VCF-style: chr14-75485555-C-A.
Other names: c.4147G>T, p.Asp1383Tyr (NM_014381.3); short protein forms D1407Y, D1383Y.
Identifiers: ClinVar variation 1738800 (VCV001738800.3), dbSNP rs2139296039, ClinGen allele CA390418722.
Genomic context (GRCh38, chr14:75,018,852, plus strand): 5'-CTTTGCTCCCTCCTGCTCCTGTTAGTCATTAATGTACCTGTTTTTCCTGTTCCAAGTGGT[C>A]TATGTCAGCTAACGGCAGCATAGAAGGTCTCCCGTGAGCACACTGGAATGGCAGCTGGCA-3'
Protein context (NP_001035197.1, residues 1397-1417): RPSMLPLADI[Asp1407Tyr]HLEQEKQIKP

ClinVar aggregate classification (germline): Uncertain significance (1 of 4 stars; one submission).

Submission:

Ambry Genetics
Classification: Uncertain significance. Last evaluated: 2024-04-05. Review status: criteria provided, single submitter. Criteria: Ambry Variant Classification Scheme 2023. Collection method: clinical testing. Allele origin: germline.
Comment: The p.D1407Y variant (also known as c.4219G>T), located in coding exon 11 of the MLH3 gene, results from a G to T substitution at nucleotide position 4219. The aspartic acid at codon 1407 is replaced by tyrosine, an amino acid with highly dissimilar properties. This amino acid position is conserved. In addition, the in silico prediction for this alteration is inconclusive. Since supporting evidence is limited at this time, the clinical significance of this alteration remains unclear.